The following is an entry in ClinVar:

ClinVar aggregate classification (germline): Uncertain significance (1 of 4 stars; one submission).

Conditions:
Multiple endocrine neoplasia, type 2 (MEN2). Identifiers: Orphanet 653, MedGen C4048306, MONDO:0019003. Disease mechanism: gain of function.

Submission:

Color Diagnostics, LLC DBA Color Health
Classification: Uncertain significance for Multiple endocrine neoplasia, type 2. Last evaluated: 2025-06-25. Review status: criteria provided, single submitter. Criteria: ACMG Guidelines, 2015. Collection method: clinical testing. Allele origin: germline.
Comment: This variant causes the loss of the translation termination codon, resulting in the extension of the RET protein by 27 amino acids. To our knowledge, functional studies have not been reported for this variant. This variant has not been reported in individuals affected with RET-related disorders in the literature. This variant has not been identified in the general population by the Genome Aggregation Database (gnomAD). The available evidence is insufficient to determine the role of this variant in disease conclusively. Therefore, this variant is classified as a Variant of Uncertain Significance.

NM_020975.6(RET):c.3344A>C (p.Ter1115Ser)

Gene: RET (ret proto-oncogene; plus strand). Cytogenetic location: 10q11.21.
Variant type: single nucleotide variant.
Coding change: c.3344A>C on transcript NM_020975.6 (MANE Select); coding-DNA position 3344, A replaced by C.
Protein change: p.Ter1115Ser.
Molecular consequence: stop lost. On other transcripts: 3 prime UTR variant (18), intron variant (3).
Genome position (GRCh38, 1-based): chr10:43,128,268, A>C. VCF-style: chr10-43128268-A-C. GRCh37 (hg19) VCF-style: chr10-43623716-A-C.
Other names: c.*1514A>C (NM_001355216.2, NM_001406764.1, NM_001406765.1 and 15 more transcripts); c.3344A>C, p.Ter1115Ser (NM_001406743.1); c.3284A>C, p.Ter1095Ser (NM_001406759.1, NM_001406760.1); c.3215A>C, p.Ter1072Ser (NM_001406761.1, NM_001406762.1); c.3209A>C, p.Ter1070Ser (NM_001406763.1); c.3056A>C, p.Ter1019Ser (NM_001406766.1, NM_001406767.1); c.2948A>C, p.Ter983Ser (NM_001406769.1); c.2906A>C, p.Ter969Ser (NM_001406771.1); and 10 more.
Identifiers: ClinVar variation 4757096 (VCV004757096.1).
Genomic context (GRCh38, chr10:43,128,268, plus strand): 5'-TATATGCTAACTGGATGCTTTCACCCTCAGCGGCAAAATTAATGGACACGTTTGATAGTT[A>C]ACATTTCTTTGTGAAAGGTAATGGACTCACAAGGGGAAGAAACATGCTGAGAATGGAAAG-3'